The following is an entry in ClinVar:

NM_001447.3(FAT2):c.3541T>C (p.Tyr1181His)

Gene: FAT2 (FAT atypical cadherin 2; minus strand). Cytogenetic location: 5q33.1.
Variant type: single nucleotide variant.
Coding change: c.3541T>C on transcript NM_001447.3 (MANE Select); coding-DNA position 3541, T replaced by C.
Protein change: p.Tyr1181His; replaces tyrosine 1181 with histidine.
Molecular consequence: missense variant.
Genome position (GRCh38, 1-based): chr5:151,563,358, A>G on the plus strand (T>C on the coding strand, the complement: FAT2 is on the minus strand). VCF-style: chr5-151563358-A-G. GRCh37 (hg19) VCF-style: chr5-150942919-A-G.
Other names: short protein forms Y1181H.
Identifiers: ClinVar variation 1273017 (VCV001273017.9), dbSNP rs6872614, ClinGen allele CA3521818.

ClinVar aggregate classification (germline): Benign. Review status: criteria provided, multiple submitters, no conflicts (2 of 4 stars). 4 submissions from 4 submitters: Benign (3). 1 of the submissions does not count toward it. Last evaluated 2026-02-03.

Conditions:
FAT2-related disorder. Also called: FAT2-related condition.
Spinocerebellar ataxia 45. Identifiers: Orphanet 589527, MedGen C4540400, MONDO:0033480, OMIM 617769.

Allele frequency attached by ClinVar (database versions not stated): gnomAD exomes 0.99493 and 0.99673; 1000 Genomes Project 0.99840; 1000 Genomes Project 30x 0.99859; ESP Exome Variant Server 0.99608; gnomAD 0.99676 and 0.99687; ExAC 0.99687; TOPMed 0.99658.
gnomAD v4.1: 1,606,226 of 1,614,172 alleles (100%); highest among the groups gnomAD compares: East Asian, 100%; 799,164 homozygotes.

Submissions (4):

Labcorp Genetics (formerly Invitae), Labcorp
Classification: Benign. Last evaluated: 2026-02-03. Review status: criteria provided, single submitter. Criteria: Invitae Variant Classification Sherloc (09022015). Collection method: clinical testing. Allele origin: germline.

Genome-Nilou Lab
Classification: Benign for Spinocerebellar ataxia 45. Last evaluated: 2021-08-10. Review status: criteria provided, single submitter. Criteria: ACMG Guidelines, 2015. Collection method: clinical testing. Allele origin: germline. Affected: no.

GeneDx
Classification: Benign. Last evaluated: 2021-05-04. Review status: criteria provided, single submitter. Criteria: GeneDx Variant Classification Process June 2021. Collection method: clinical testing. Allele origin: germline. Affected: yes.

PreventionGenetics, part of Exact Sciences
Classification: Benign for FAT2-related condition. Last evaluated: 2019-07-08. Review status: no assertion criteria provided. Collection method: clinical testing. Allele origin: germline. Not counted in ClinVar's aggregate classification.
Comment: This variant is classified as benign based on ACMG/AMP sequence variant interpretation guidelines (Richards et al. 2015 PMID: 25741868, with internal and published modifications).